The following is an entry in ClinVar:

ClinVar aggregate classification (germline): Pathogenic (1 of 4 stars; one submission).

Submission:

Labcorp Genetics (formerly Invitae), Labcorp
Classification: Pathogenic. Last evaluated: 2025-05-05. Review status: criteria provided, single submitter. Criteria: Invitae Variant Classification Sherloc (09022015). Collection method: clinical testing. Allele origin: germline.
Comment: This sequence change creates a premature translational stop signal (p.Arg84Alafs*34) in the SCO2 gene. While this is not anticipated to result in nonsense mediated decay, it is expected to disrupt the last 183 amino acid(s) of the SCO2 protein. This variant is present in population databases (no rsID available, gnomAD 0.007%). This variant has not been reported in the literature in individuals affected with SCO2-related conditions. This variant disrupts a region of the SCO2 protein in which other variant(s) (p.Gly193Ser) have been determined to be pathogenic (PMID: 19353847, 29193756, 32600061). This suggests that this is a clinically significant region of the protein, and that variants that disrupt it are likely to be disease-causing. For these reasons, this variant has been classified as Pathogenic.

Literature cited by the submitters: PubMed 19353847; PubMed 29193756; PubMed 32600061.

NM_005138.3(SCO2):c.250_251del (p.Arg84fs)

Genes: NCAPH2 (non-SMC condensin II complex subunit H2; plus strand), SCO2 (synthesis of cytochrome C oxidase 2; minus strand). Cytogenetic location: 22q13.33.
Variant type: Microsatellite.
Coding change: c.250_251del on transcript NM_005138.3 (MANE Select); coding-DNA positions 250 to 251, 2 bases deleted (AG; older notation c.250_251delAG).
Protein change: p.Arg84fs; shifts the reading frame from arginine 84.
Molecular consequence: frameshift variant. On other transcripts: 3 prime UTR variant (2).
Genome position (GRCh38, 1-based): chr22:50,524,161-50,524,162, CT deleted on the plus strand (AG on the coding strand, the reverse complement: SCO2 is on the minus strand); deleting any 2 consecutive bases within chr22:50,524,161-50,524,165 gives the same sequence; the c. name uses the placement nearest the transcript's 3' end. VCF-style (leftmost placement, unchanged base first): chr22-50524160-CCT-C. GRCh37 (hg19) VCF-style: chr22-50962589-CCT-C.
Other names: c.*787TC[1] (NM_001185011.2, NM_152299.4); c.250_251del, p.Arg84fs (NM_001169109.2, NM_001169110.1, NM_001169111.2); short protein forms R84fs.
Identifiers: ClinVar variation 2967556 (VCV002967556.3), dbSNP rs1569521573, ClinGen allele CA640357311.